The following is an entry in ClinVar:

NM_206933.4(USH2A):c.11087C>T (p.Thr3696Ile)

Gene: USH2A (usherin; minus strand). Cytogenetic location: 1q41.
Variant type: single nucleotide variant.
Coding change: c.11087C>T on transcript NM_206933.4 (MANE Select); coding-DNA position 11087, C replaced by T.
Protein change: p.Thr3696Ile; replaces threonine 3696 with isoleucine.
Molecular consequence: missense variant.
Genome position (GRCh38, 1-based): chr1:215,759,804, G>A on the plus strand (C>T on the coding strand, the complement: USH2A is on the minus strand). VCF-style: chr1-215759804-G-A. GRCh37 (hg19) VCF-style: chr1-215933146-G-A.
Other names: short protein forms T3696I.
Identifiers: ClinVar variation 4062731 (VCV004062731.2).

ClinVar aggregate classification (germline): Uncertain significance. Review status: criteria provided, single submitter (1 of 4 stars). 2 submissions from 2 submitters: Uncertain significance (1). 1 of the submissions does not count toward it. Last evaluated 2025-08-15.

Conditions:
Usher syndrome type 2A. Also called: RETINAL DISEASE IN USHER SYNDROME TYPE IIA, MODIFIER OF; USHER SYNDROME, TYPE IIA. Identifiers: Orphanet 231178, Orphanet 886, MedGen C1848634, MONDO:0010169, OMIM 276901.

gnomAD v4.1: 9 of 1,614,004 alleles (0.00056%); highest among the groups gnomAD compares: South Asian, 0.0099%; no homozygotes.

Submissions (2):

GeneDx
Classification: Uncertain significance. Last evaluated: 2025-08-15. Review status: criteria provided, single submitter. Criteria: GeneDx Variant Classification Process June 2021. Collection method: clinical testing. Allele origin: germline. Affected: yes.
Comment: Not observed at significant frequency in large population cohorts (gnomAD); In silico analysis supports that this missense variant has a deleterious effect on protein structure/function; Has not been previously published as pathogenic or benign to our knowledge

Natera, Inc.
Classification: Uncertain significance for Usher syndrome type 2A. Last evaluated: 2025-03-13. Review status: no assertion criteria provided. Collection method: clinical testing. Allele origin: germline. Not counted in ClinVar's aggregate classification.